The following is an entry in ClinVar:

NM_014946.4(SPAST):c.465del (p.Glu155fs)

Gene: SPAST (spastin; plus strand). Cytogenetic location: 2p22.3.
Variant type: Deletion.
Coding change: c.465del on transcript NM_014946.4 (MANE Select); coding-DNA position 465, one base deleted (A; older notation c.465delA).
Protein change: p.Glu155fs; shifts the reading frame from glutamic acid 155.
Molecular consequence: frameshift variant.
Genome position (GRCh38, 1-based): chr2:32,087,541, A deleted; the last of 2 consecutive A bases (chr2:32,087,540-32,087,541); deleting either gives the same sequence. VCF-style (leftmost placement, unchanged base first): chr2-32087539-GA-G. GRCh37 (hg19) VCF-style: chr2-32312608-GA-G.
Other names: c.462del, p.Glu154fs (NM_001363823.2, NM_001363875.2); c.465del, p.Glu155fs (NM_001377959.1, NM_199436.2); c.464delA (NM_014946.3); short protein forms E154fs, E155fs.
Identifiers: ClinVar variation 216112 (VCV000216112.8), dbSNP rs863224514, ClinGen allele CA339092.

ClinVar aggregate classification (germline): Pathogenic. Review status: criteria provided, multiple submitters, no conflicts (2 of 4 stars). 2 submissions from 2 submitters: Pathogenic (2). Last evaluated 2022-03-20.

Conditions:
Hereditary spastic paraplegia 4. Also called: Spastic paraplegia 4, autosomal dominant; Spastic Paraplegia 4; Familial spastic paraplegia autosomal dominant 2. Identifiers: Orphanet 100985, MedGen C1866855, MONDO:0008438, OMIM 182601.

Submissions (2):

Labcorp Genetics (formerly Invitae), Labcorp
Classification: Pathogenic for Hereditary spastic paraplegia 4. Last evaluated: 2022-03-20. Review status: criteria provided, single submitter. Criteria: Invitae Variant Classification Sherloc (09022015). Collection method: clinical testing. Allele origin: germline.
Comment: ClinVar contains an entry for this variant (Variation ID: 216112). For these reasons, this variant has been classified as Pathogenic. This sequence change creates a premature translational stop signal (p.Glu155Aspfs*6) in the SPAST gene. It is expected to result in an absent or disrupted protein product. Loss-of-function variants in SPAST are known to be pathogenic (PMID: 20932283). This variant is not present in population databases (gnomAD no frequency). This premature translational stop signal has been observed in individual(s) with hereditary spastic paraplegia (PMID: 27334366).

Athena Diagnostics
Classification: Pathogenic. Last evaluated: 2017-07-05. Review status: criteria provided, single submitter. Criteria: Athena Diagnostics Criteria. Collection method: clinical testing. Allele origin: germline.

Literature cited by the submitters: PubMed 20932283 (cited by Labcorp Genetics (formerly Invitae), Labcorp); PubMed 27334366 (cited by Labcorp Genetics (formerly Invitae), Labcorp and Athena Diagnostics).